The following is an entry in ClinVar:

ClinVar aggregate classification (germline): Benign/Likely benign. Review status: criteria provided, multiple submitters, no conflicts (2 of 4 stars). 6 submissions from 6 submitters: Benign (1); Likely benign (4). 1 of the submissions does not count toward it. Last evaluated 2026-05-01.

Conditions:
Lissencephaly 9 with complex brainstem malformation. Identifiers: Orphanet 572013, MedGen C5193029, MONDO:0032677, OMIM 618325.
MACF1-related disorder. Also called: MACF1-related condition.
Inborn genetic diseases. Identifiers: MedGen C0950123, MeSH D030342.

Allele frequency attached by ClinVar (database versions not stated): 1000 Genomes Project 0.00140; 1000 Genomes Project 30x 0.00156; gnomAD 0.00375 and 0.00392; TOPMed 0.00376; gnomAD exomes 0.00419 and 0.00510; ExAC 0.00425; ESP Exome Variant Server 0.00515.
gnomAD v4.1: 7,959 of 1,614,076 alleles (0.49%); highest among the groups gnomAD compares: Non-Finnish European, 0.59%; 34 homozygotes.

Submissions (6):

CeGaT Center for Human Genetics Tuebingen
Classification: Likely benign. Last evaluated: 2026-05-01. Review status: criteria provided, single submitter. Criteria: CeGaT Center For Human Genetics Tuebingen Variant Classification Criteria Version 2. Collection method: clinical testing. Allele origin: germline. Affected: yes. Observed: 21 variant alleles.
Comment: MACF1: BS2

Labcorp Genetics (formerly Invitae), Labcorp
Classification: Likely benign. Last evaluated: 2026-01-19. Review status: criteria provided, single submitter. Criteria: Invitae Variant Classification Sherloc (09022015). Collection method: clinical testing. Allele origin: germline.

Genome-Nilou Lab
Classification: Benign for Lissencephaly 9 with complex brainstem malformation. Last evaluated: 2023-04-11. Review status: criteria provided, single submitter. Criteria: ACMG Guidelines, 2015. Collection method: clinical testing. Allele origin: germline. Affected: no.

Ambry Genetics
Classification: Likely benign for Inborn genetic diseases. Last evaluated: 2021-08-10. Review status: criteria provided, single submitter. Criteria: Ambry Variant Classification Scheme 2023. Collection method: clinical testing. Allele origin: germline.

Breakthrough Genomics
Classification: Likely benign. Review status: criteria provided, single submitter. Criteria: ACMG Guidelines, 2015. Collection method: not provided. Allele origin: germline. Inheritance: Autosomal dominant inheritance. Affected: yes.

PreventionGenetics, part of Exact Sciences
Classification: Benign for MACF1-related condition. Last evaluated: 2019-11-26. Review status: no assertion criteria provided. Collection method: clinical testing. Allele origin: germline. Not counted in ClinVar's aggregate classification.
Comment: This variant is classified as benign based on ACMG/AMP sequence variant interpretation guidelines (Richards et al. 2015 PMID: 25741868, with internal and published modifications).

NM_001394062.1(MACF1):c.15126A>C (p.Gln5042His)

Gene: MACF1 (microtubule actin crosslinking factor 1; plus strand). Cytogenetic location: 1p34.3.
Variant type: single nucleotide variant.
Coding change: c.15126A>C on transcript NM_001394062.1 (MANE Select); coding-DNA position 15126, A replaced by C.
Protein change: p.Gln5042His; replaces glutamine 5042 with histidine.
Molecular consequence: missense variant.
Genome position (GRCh38, 1-based): chr1:39,387,968, A>C. VCF-style: chr1-39387968-A-C. GRCh37 (hg19) VCF-style: chr1-39853640-A-C.
Other names: c.8940A>C, p.Gln2980His (NM_012090.5); c.8940A>C (NM_012090.4); short protein forms Q2980H, Q5042H.
Identifiers: ClinVar variation 775052 (VCV000775052.44), dbSNP rs147777128, ClinGen allele CA782347.
Genomic context (GRCh38, chr1:39,387,968, plus strand): 5'-TGAAAAGAAGGTTGAAGGAGCCAAACACCAACTTGAGATCTTTGATGCTCTGGGTTCTCA[A>C]GCCTGTAGCAACAAGAACCTGGAGAAGCTAAGAGCTCAACAGGAAGTGCTGCAGGCCCTA-3'
Protein context (NP_001380991.1, residues 5032-5052): QLEIFDALGS[Gln5042His]ACSNKNLEKL